The following is an entry in ClinVar:

NM_006231.4(POLE):c.4753A>T (p.Ile1585Phe)

Gene: POLE (DNA polymerase epsilon, catalytic subunit; minus strand). Cytogenetic location: 12q24.33.
Variant type: single nucleotide variant.
Coding change: c.4753A>T on transcript NM_006231.4 (MANE Select); coding-DNA position 4753, A replaced by T.
Protein change: p.Ile1585Phe; replaces isoleucine 1585 with phenylalanine.
Molecular consequence: missense variant.
Genome position (GRCh38, 1-based): chr12:132,642,705, T>A on the plus strand (A>T on the coding strand, the complement: POLE is on the minus strand). VCF-style: chr12-132642705-T-A. GRCh37 (hg19) VCF-style: chr12-133219291-T-A.
Other names: short protein forms I1585F.
Identifiers: ClinVar variation 4740935 (VCV004740935.1).
Genomic context (GRCh38, chr12:132,642,705, plus strand): 5'-CCTCCAAGACAGGAATTTCACTGGCCAGCCTCTTCAGCTCCCAGCTGGACTGAACAGCGA[T>A]GAGTGTGGGCCCCCGGCGCTCCTCCTGGGTCAAGGCAAAATGGAAGAAAAGACCTGGGTG-3'
Protein context (NP_006222.2, residues 1575-1595): YKEERRGPTL[Ile1585Phe]AVQSSWELKR

ClinVar aggregate classification (germline): Uncertain significance (1 of 4 stars; one submission).

Submission:

Labcorp Genetics (formerly Invitae), Labcorp
Classification: Uncertain significance. Last evaluated: 2025-12-28. Review status: criteria provided, single submitter. Criteria: Invitae Variant Classification Sherloc (09022015). Collection method: clinical testing. Allele origin: germline.
Comment: This sequence change replaces isoleucine, which is neutral and non-polar, with phenylalanine, which is neutral and non-polar, at codon 1585 of the POLE protein (p.Ile1585Phe). This variant is not present in population databases (gnomAD no frequency). This variant has not been reported in the literature in individuals affected with POLE-related conditions. Invitae Evidence Modeling of protein sequence and biophysical properties (such as structural, functional, and spatial information, amino acid conservation, physicochemical variation, residue mobility, and thermodynamic stability) indicates that this missense variant is not expected to disrupt POLE protein function with a negative predictive value of 80%. In summary, the available evidence is currently insufficient to determine the role of this variant in disease. Therefore, it has been classified as a Variant of Uncertain Significance.